The following is an entry in ClinVar:

ClinVar aggregate classification (germline): Pathogenic. Review status: criteria provided, multiple submitters, no conflicts (2 of 4 stars). 3 submissions from 3 submitters: Pathogenic (3). Last evaluated 2025-12-01.

Conditions:
Retinitis pigmentosa 28 (RP28). Identifiers: Orphanet 791, MedGen C1419614, MONDO:0011630, OMIM 606068.

Submissions (3):

3billion
Classification: Pathogenic for Retinitis pigmentosa 28. Last evaluated: 2025-12-01. Review status: criteria provided, single submitter. Criteria: ACMG Guidelines, 2015. Collection method: clinical testing. Allele origin: germline. Affected: yes.
Comment: The variant is not observed in the gnomAD v4.1.0 dataset. Predicted Consequence/Location: Stop-gained (nonsense): predicted to result in a loss or disruption of normal protein function through nonsense-mediated decay (NMD) or protein truncation. Multiple pathogenic variants are reported downstream of the variant. The variant has been reported to be associated with FAM161A-related disorder (ClinVar ID: VCV001404914 /PMID: 28945494). Therefore, this variant is classified as Pathogenic according to the recommendation of ACMG/AMP guideline.

Natera, Inc.
Classification: Pathogenic for Retinitis pigmentosa type 28. Last evaluated: 2025-08-05. Review status: criteria provided, single submitter. Criteria: Natera Variant Classification Schema (03/2026). Collection method: clinical testing. Allele origin: germline.
Comment: The c.1759G>T variant in FAM161A is a nonsense variant predicted to introduce a stop codon at amino acid 587. This variant is expected to result in nonsense mediated decay, truncation, or a dysfunctional protein product. This variant is rare in the general population with a frequency below the threshold expected for the associated phenotype(s). This variant has been observed in one or more individuals affected with the associated recessive disease, as either homozygous or compound heterozygous with a second variant (PMID: 28945494). Additionally, this variant has been observed to segregate in affected family members (PMID: 28945494). Given the available evidence, this variant is classified as Pathogenic.

Labcorp Genetics (formerly Invitae), Labcorp
Classification: Pathogenic. Last evaluated: 2022-11-01. Review status: criteria provided, single submitter. Criteria: Invitae Variant Classification Sherloc (09022015). Collection method: clinical testing. Allele origin: germline.
Comment: This variant is also known as p.Gly587*, but this is a typographical error in the literature. For these reasons, this variant has been classified as Pathogenic. ClinVar contains an entry for this variant (Variation ID: 1404914). This premature translational stop signal has been observed in individual(s) with inherited retinal degeneration (PMID: 28945494). In at least one individual the data is consistent with being in trans (on the opposite chromosome) from a pathogenic variant. It has also been observed to segregate with disease in related individuals. This variant is not present in population databases (gnomAD no frequency). This sequence change creates a premature translational stop signal (p.Glu587*) in the FAM161A gene. It is expected to result in an absent or disrupted protein product. Loss-of-function variants in FAM161A are known to be pathogenic (PMID: 20705278, 20705279, 24651477).

Literature cited by the submitters: PubMed 28945494 (cited by 3 submitters); PubMed 20705278 (cited by Labcorp Genetics (formerly Invitae), Labcorp); PubMed 20705279 (cited by Labcorp Genetics (formerly Invitae), Labcorp); PubMed 24651477 (cited by Labcorp Genetics (formerly Invitae), Labcorp).

NM_001201543.2(FAM161A):c.1759G>T (p.Glu587Ter)

Gene: FAM161A (FAM161 centrosomal protein A; minus strand). Cytogenetic location: 2p15.
Variant type: single nucleotide variant.
Coding change: c.1759G>T on transcript NM_001201543.2 (MANE Select); coding-DNA position 1759, G replaced by T.
Protein change: p.Glu587Ter; replaces glutamic acid 587 with a stop codon.
Molecular consequence: nonsense. On other transcripts: non-coding transcript variant (1).
Genome position (GRCh38, 1-based): chr2:61,836,102, C>A on the plus strand (G>T on the coding strand, the complement: FAM161A is on the minus strand). VCF-style: chr2-61836102-C-A. GRCh37 (hg19) VCF-style: chr2-62063237-C-A.
Other names: c.1591G>T, p.Glu531Ter (NM_032180.3); c.1759G>T (NM_001201543.1); short protein forms E531*, E587*.
Identifiers: ClinVar variation 1404914 (VCV001404914.8), dbSNP rs868226745, ClinGen allele CA346985811.
Genomic context (GRCh38, chr2:61,836,102, plus strand): 5'-TTTTTAATTTTTCTTCTCTTTCTTCTAGTTCTCGTTGGTATTCTCTCATCCTTTCCTTTT[C>A]GCTCTTTCTAAAATTAAAGAAAAGCAATGGAATTTTAAAAGATCATCTAAGAAATAAGAA-3'